The following is an entry in ClinVar:

NM_003482.4(KMT2D):c.14161C>T (p.Arg4721Cys)

Gene: KMT2D (lysine methyltransferase 2D; minus strand). Cytogenetic location: 12q13.12.
Variant type: single nucleotide variant.
Coding change: c.14161C>T on transcript NM_003482.4 (MANE Select); coding-DNA position 14161, C replaced by T.
Protein change: p.Arg4721Cys; replaces arginine 4721 with cysteine.
Molecular consequence: missense variant.
Genome position (GRCh38, 1-based): chr12:49,029,151, G>A on the plus strand (C>T on the coding strand, the complement: KMT2D is on the minus strand). VCF-style: chr12-49029151-G-A. GRCh37 (hg19) VCF-style: chr12-49422934-G-A.
Other names: short protein forms R4721C.
Identifiers: ClinVar variation 309009 (VCV000309009.19), dbSNP rs777064703, ClinGen allele CA6545817.
Genomic context (GRCh38, chr12:49,029,151, plus strand): 5'-TGACAGGGGAGAGGGCCCGGTCCTCTTGCTCCCACCGGCCTGAGCCCAGATGAGGGAAAC[G>A]AGGGGCCTCCTCCCCCAAGATGCTCTCAGGGGATGAAGCTGGCACAATGCTGTCAGGAGA-3'
Protein context (NP_003473.3, residues 4711-4731): PESILGEEAP[Arg4721Cys]FPHLGSGRWE

ClinVar aggregate classification (germline): Conflicting classifications of pathogenicity. Review status: criteria provided, conflicting classifications (1 of 4 stars). 3 submissions from 3 submitters: Uncertain significance (1); Likely benign (2). Last evaluated 2025-11-03.

Conditions:
Kabuki syndrome 1 (KABUK1). Also called: KMT2D-Related Kabuki Syndrome. Identifiers: Orphanet 2322, MedGen CN030661, MONDO:0007843, OMIM 147920.
Choanal atresia-athelia-hypothyroidism-delayed puberty-short stature syndrome (BCAHH). Also called: BRANCHIAL ARCH ABNORMALITIES, CHOANAL ATRESIA, ATHELIA, HEARING LOSS, AND HYPOTHYROIDISM SYNDROME. Identifiers: Orphanet 589856, MedGen C5680310, MONDO:0035651, OMIM 620186.
Kabuki syndrome. Also called: NIIKAWA-KUROKI SYNDROME; Kabuki make-up syndrome. Identifiers: Orphanet 2322, MedGen C0796004, MONDO:0016512.

Allele frequency attached by ClinVar (database versions not stated): TOPMed 0.00001; ExAC 0.00003.
gnomAD v4.1: 11 of 1,613,852 alleles (0.00068%); highest among the groups gnomAD compares: East Asian, 0.0067%; no homozygotes.

Submissions (3):

Labcorp Genetics (formerly Invitae), Labcorp
Classification: Likely benign for Kabuki syndrome. Last evaluated: 2025-11-03. Review status: criteria provided, single submitter. Criteria: Invitae Variant Classification Sherloc (09022015). Collection method: clinical testing. Allele origin: germline.

CeGaT Center for Human Genetics Tuebingen
Classification: Likely benign. Last evaluated: 2025-04-01. Review status: criteria provided, single submitter. Criteria: CeGaT Center For Human Genetics Tuebingen Variant Classification Criteria Version 2. Collection method: clinical testing. Allele origin: germline. Affected: yes. Observed: 1 variant allele.
Comment: KMT2D: BS2

Fulgent Genetics
Classification: Uncertain significance for Kabuki syndrome 1; Choanal atresia-athelia-hypothyroidism-delayed puberty-short stature syndrome. Last evaluated: 2024-02-13. Review status: criteria provided, single submitter. Criteria: ACMG Guidelines, 2015. Collection method: clinical testing. Allele origin: germline.